The following is an entry in ClinVar:

ClinVar aggregate classification (germline): Benign/Likely benign. Review status: criteria provided, multiple submitters, no conflicts (2 of 4 stars). 9 submissions from 8 submitters: Benign (4); Likely benign (4). 1 of the submissions does not count toward it. Last evaluated 2025-09-22.

Conditions:
SYNE1-related disorder. Also called: SYNE1-related disorders; SYNE1-related disease; SYNE1-related condition.
Autosomal recessive ataxia, Beauce type. Also called: Spinocerebellar ataxia, autosomal recessive 8; ATAXIA, RECESSIVE, OF BEAUCE; SYNE1 Deficiency; SYNE1-Related Autosomal Recessive Cerebellar Ataxia. Identifiers: Orphanet 88644, MedGen C1853116, MONDO:0012549, OMIM 610743.
Emery-Dreifuss muscular dystrophy 4, autosomal dominant (EDMD4). Also called: EMERY-DREIFUSS MUSCULAR DYSTROPHY 4 WITH VARIABLE FEATURES. Identifiers: Orphanet 261, MedGen C2751807, MONDO:0013071, OMIM 612998.

Allele frequency attached by ClinVar (database versions not stated): ESP Exome Variant Server 0.00123; gnomAD 0.00155 and 0.00163; TOPMed 0.00157; 1000 Genomes Project 0.00180; 1000 Genomes Project 30x 0.00250.
gnomAD v4.1: 461 of 1,613,560 alleles (0.029%); highest among the groups gnomAD compares: African/African-American, 0.55%; 2 homozygotes.

Submissions (9):

Labcorp Genetics (formerly Invitae), Labcorp
Classification: Likely benign for Emery-Dreifuss muscular dystrophy 4, autosomal dominant; Autosomal recessive ataxia, Beauce type. Last evaluated: 2025-09-22. Review status: criteria provided, single submitter. Criteria: Invitae Variant Classification Sherloc (09022015). Collection method: clinical testing. Allele origin: germline.

Athena Diagnostics
Classification: Benign. Last evaluated: 2025-06-09. Review status: criteria provided, single submitter. Criteria: Athena Diagnostics Criteria. Collection method: clinical testing. Allele origin: unknown.
Comment: The frequency of this variant in the general population is higher than would generally be expected for pathogenic variants in this gene. Computational tools predict this amino acid change may be benign.

Mayo Clinic Laboratories, Mayo Clinic
Classification: Benign. Last evaluated: 2025-04-15. Review status: criteria provided, single submitter. Criteria: ACMG Guidelines, 2015. Collection method: clinical testing. Allele origin: germline. Observed: 1 variant allele.
Comment: BA1, BP4_moderate

GeneDx
Classification: Likely benign. Last evaluated: 2020-08-14. Review status: criteria provided, single submitter. Criteria: GeneDx Variant Classification Process June 2021. Collection method: clinical testing. Allele origin: germline. Affected: yes.

Illumina Laboratory Services, Illumina
Classification: Benign for Emery-Dreifuss muscular dystrophy 4, autosomal dominant. Last evaluated: 2018-01-13. Review status: criteria provided, single submitter. Criteria: ICSL Variant Classification Criteria 13 December 2019. Collection method: clinical testing. Allele origin: germline.
Comment: This variant was observed in the ICSL laboratory as part of a predisposition screen in an ostensibly healthy population. It had not been previously curated by ICSL or reported in the Human Gene Mutation Database (HGMD: prior to June 1st, 2018), and was therefore a candidate for classification through an automated scoring system. Utilizing variant allele frequency, disease prevalence and penetrance estimates, and inheritance mode, an automated score was calculated to assess if this variant is too frequent to cause the disease. Based on the score and internal cut-off values, a variant classified as benign is not then subjected to further curation. The score for this variant resulted in a classification of benign for this disease.

Illumina Laboratory Services, Illumina
Classification: Likely benign for Autosomal recessive ataxia, Beauce type. Last evaluated: 2018-01-13. Review status: criteria provided, single submitter. Criteria: ICSL Variant Classification Criteria 13 December 2019. Collection method: clinical testing. Allele origin: germline.
Comment: This variant was observed in the ICSL laboratory as part of a predisposition screen in an ostensibly healthy population. It had not been previously curated by ICSL or reported in the Human Gene Mutation Database (HGMD: prior to June 1st, 2018), and was therefore a candidate for classification through an automated scoring system. Utilizing variant allele frequency, disease prevalence and penetrance estimates, and inheritance mode, an automated score was calculated to assess if this variant is too frequent to cause the disease. Based on the score and internal cut-off values, a variant classified as likely benign is not then subjected to further curation. The score for this variant resulted in a classification of likely benign for this disease.

Eurofins Ntd Llc (ga)
Classification: Benign. Last evaluated: 2016-05-26. Review status: criteria provided, single submitter. Criteria: EGL Classification Definitions 2015. Collection method: clinical testing. Allele origin: germline. Observed: 2 variant alleles, 2 heterozygotes.

Breakthrough Genomics
Classification: Likely benign. Review status: criteria provided, single submitter. Criteria: ACMG Guidelines, 2015. Collection method: not provided. Allele origin: germline. Inheritance: Autosomal recessive inheritance. Affected: yes.

PreventionGenetics, part of Exact Sciences
Classification: Likely benign for SYNE1-related condition. Last evaluated: 2019-06-26. Review status: no assertion criteria provided. Collection method: clinical testing. Allele origin: germline. Not counted in ClinVar's aggregate classification.
Comment: This variant is classified as likely benign based on ACMG/AMP sequence variant interpretation guidelines (Richards et al. 2015 PMID: 25741868, with internal and published modifications).

Literature cited by the submitters: PubMed 36415435 (cited by Athena Diagnostics).

NM_182961.4(SYNE1):c.23002C>G (p.Leu7668Val)

Gene: SYNE1 (spectrin repeat containing nuclear envelope protein 1; minus strand). Cytogenetic location: 6q25.2.
Variant type: single nucleotide variant.
Coding change: c.23002C>G on transcript NM_182961.4 (MANE Select); coding-DNA position 23002, C replaced by G.
Protein change: p.Leu7668Val; replaces leucine 7668 with valine.
Molecular consequence: missense variant.
Genome position (GRCh38, 1-based): chr6:152,206,185, G>C on the plus strand (C>G on the coding strand, the complement: SYNE1 is on the minus strand). VCF-style: chr6-152206185-G-C. GRCh37 (hg19) VCF-style: chr6-152527320-G-C.
Other names: p.Leu7597Val; c.23002C>G (NM_182961.2); c.22789C>G, p.Leu7597Val (NM_033071.5); short protein forms L7597V, L7668V.
Identifiers: ClinVar variation 286270 (VCV000286270.28), dbSNP rs150589796, ClinGen allele CA4053736.